The following is an entry in ClinVar:

NM_018248.3(NEIL3):c.627+41G>A

Gene: NEIL3 (nei like DNA glycosylase 3; plus strand). Cytogenetic location: 4q34.3.
Variant type: single nucleotide variant.
Coding change: c.627+41G>A on transcript NM_018248.3 (MANE Select); 41 bases into the intron after coding-DNA position 627, G replaced by A.
Molecular consequence: intron variant.
Genome position (GRCh38, 1-based): chr4:177,336,362, G>A. VCF-style: chr4-177336362-G-A. GRCh37 (hg19) VCF-style: chr4-178257516-G-A.
Identifiers: ClinVar variation 2688367 (VCV002688367.2), dbSNP rs2271102, ClinGen allele CA3146311.
Genomic context (GRCh38, chr4:177,336,362, plus strand): 5'-GTCTCCACCCAGCTGTTAAAGTAAGTTTTAAGTATTTTTTTAATTATCTGTTGATTTTTC[G>A]GTACTGTGAAGGAACCAACGTGGAAGCCTTAACTCTGCATTTCAGTAACACAGTCTCATC-3'

ClinVar aggregate classification (germline): Benign (1 of 4 stars; one submission).

Allele frequency attached by ClinVar (database versions not stated): ExAC 0.53607; 1000 Genomes Project 0.57208; 1000 Genomes Project 30x 0.57901; gnomAD 0.58328; TOPMed 0.59371; ESP Exome Variant Server 0.61356.
gnomAD v4.1: 852,111 of 1,557,956 alleles (55%); highest among the groups gnomAD compares: African/African-American, 76%; 235,517 homozygotes.

Submission:

Unidad de Genómica Garrahan, Hospital de Pediatría Garrahan
Classification: Benign. Last evaluated: 2024-01-24. Review status: criteria provided, single submitter. Criteria: ACMG Guidelines, 2015. Collection method: clinical testing. Allele origin: germline. Affected: no. Observed: 66 variant alleles.
Comment: This variant is classified as Benign based on local population frequency. This variant was detected in 75% of patients studied by a panel of primary immunodeficiencies. Number of patients: 66. Only high quality variants are reported.